The following is an entry in ClinVar:

ClinVar aggregate classification (germline): Uncertain significance (0 of 4 stars; one submission).

Conditions:
PCNT-related disorder. Also called: PCNT-related condition.

gnomAD v4.1: 1 of 1,612,432 alleles (0.000062%); highest among the groups gnomAD compares: Non-Finnish European, 0.000085%; no homozygotes.

Submission:

PreventionGenetics, part of Exact Sciences
Classification: Uncertain significance for PCNT-related condition. Last evaluated: 2024-05-09. Review status: no assertion criteria provided. Collection method: clinical testing. Allele origin: germline.
Comment: The PCNT c.7529G>C variant is predicted to result in the amino acid substitution p.Arg2510Pro. To our knowledge, this variant has not been reported in the literature or in a large population database, indicating this variant is rare. At this time, the clinical significance of this variant is uncertain due to the absence of conclusive functional and genetic evidence.

NM_006031.6(PCNT):c.7529G>C (p.Arg2510Pro)

Gene: PCNT (pericentrin; plus strand). Cytogenetic location: 21q22.3.
Variant type: single nucleotide variant.
Coding change: c.7529G>C on transcript NM_006031.6 (MANE Select); coding-DNA position 7529, G replaced by C.
Protein change: p.Arg2510Pro; replaces arginine 2510 with proline.
Molecular consequence: missense variant.
Genome position (GRCh38, 1-based): chr21:46,428,429, G>C. VCF-style: chr21-46428429-G-C. GRCh37 (hg19) VCF-style: chr21-47848343-G-C.
Other names: c.7175G>C, p.Arg2392Pro (NM_001315529.2); short protein forms R2392P, R2510P.
Identifiers: ClinVar variation 3344741 (VCV003344741.1).